The following is an entry in ClinVar:

ClinVar aggregate classification (germline): Uncertain significance (1 of 4 stars; one submission).

Submission:

Dasa
Classification: Uncertain significance. Last evaluated: 2025-08-21. Review status: criteria provided, single submitter. Criteria: DASA Assertion Criteria. Collection method: clinical testing. Allele origin: germline.
Comment: NM_000257.4(MYH7):c.2675A>T (p.Gln892Leu) is a missense variant that results in the substitution of glutamine with leucine. The affected residue or protein region has prior evidence supporting clinical relevance. This variant is absent from population databases. Computational prediction algorithms are consistent with a deleterious effect. The currently available literature and clinical evidence are not sufficient to establish a definitive association between this variant and the reported condition. Therefore, this variant is classified as a variant of uncertain significance.

NM_000257.4(MYH7):c.2675A>T (p.Gln892Leu)

Genes: MYH7 (myosin heavy chain 7; minus strand), LOC126861898 (BRD4-independent group 4 enhancer GRCh37_chr14:23893609-23894808; plus strand). Cytogenetic location: 14q11.2.
Variant type: single nucleotide variant.
Coding change: c.2675A>T on transcript NM_000257.4 (MANE Select); coding-DNA position 2675, A replaced by T.
Protein change: p.Gln892Leu; replaces glutamine 892 with leucine.
Molecular consequence: missense variant.
Genome position (GRCh38, 1-based): chr14:23,424,773, T>A on the plus strand (A>T on the coding strand, the complement: MYH7 is on the minus strand). VCF-style: chr14-23424773-T-A. GRCh37 (hg19) VCF-style: chr14-23893982-T-A.
Other names: c.2675A>T, p.Gln892Leu (NM_001407004.1); short protein forms Q892L.
Identifiers: ClinVar variation 5020880 (VCV005020880.1).